The following is an entry in ClinVar:

ClinVar aggregate classification (germline): Uncertain significance (1 of 4 stars; one submission).

gnomAD v4.1: 26 of 1,207,179 alleles (0.0022%); highest among the groups gnomAD compares: Middle Eastern, 0.046%; no homozygotes.

Submission:

Labcorp Genetics (formerly Invitae), Labcorp
Classification: Uncertain significance. Last evaluated: 2025-12-13. Review status: criteria provided, single submitter. Criteria: Invitae Variant Classification Sherloc (09022015). Collection method: clinical testing. Allele origin: germline.
Comment: This sequence change replaces glutamine, which is neutral and polar, with arginine, which is basic and polar, at codon 443 of the CFP protein (p.Gln443Arg). This variant is present in population databases (rs765506323, gnomAD 0.02%). This variant has not been reported in the literature in individuals affected with CFP-related conditions. Invitae Evidence Modeling of protein sequence and biophysical properties (such as structural, functional, and spatial information, amino acid conservation, physicochemical variation, residue mobility, and thermodynamic stability) has been performed for this missense variant. However, the output from this modeling did not meet the statistical confidence thresholds required to predict the impact of this variant on CFP protein function. In summary, the available evidence is currently insufficient to determine the role of this variant in disease. Therefore, it has been classified as a Variant of Uncertain Significance.

NM_001145252.3(CFP):c.1328A>G (p.Gln443Arg)

Gene: CFP (complement factor properdin; minus strand). Cytogenetic location: Xp11.23.
Variant type: single nucleotide variant.
Coding change: c.1328A>G on transcript NM_001145252.3 (MANE Select); coding-DNA position 1328, A replaced by G.
Protein change: p.Gln443Arg; replaces glutamine 443 with arginine.
Molecular consequence: missense variant.
Genome position (GRCh38, 1-based): chrX:47,624,357, T>C on the plus strand (A>G on the coding strand, the complement: CFP is on the minus strand). VCF-style: chrX-47624357-T-C. GRCh37 (hg19) VCF-style: chrX-47483756-T-C.
Other names: c.1328A>G, p.Gln443Arg (NM_002621.2); short protein forms Q443R.
Identifiers: ClinVar variation 4750579 (VCV004750579.1).